The following is an entry in ClinVar:

ClinVar aggregate classification (germline): Uncertain significance (1 of 4 stars; one submission).

Conditions:
Long QT syndrome (LQTS). Identifiers: MedGen C0023976, MeSH D008133, MONDO:0002442. Disease mechanism: loss of function. Inheritance: Various modes of inheritance.

Submission:

All of Us Research Program, National Institutes of Health
Classification: Uncertain significance for Long QT syndrome. Last evaluated: 2023-06-26. Review status: criteria provided, single submitter. Criteria: ACMG Guidelines, 2015. Collection method: clinical testing. Allele origin: germline. Inheritance: Autosomal dominant inheritance. Observed: 1 variant allele, 1 heterozygote.
Comment: This missense variant replaces glutamine with histidine at codon 260 of the KCNQ1 protein. Computational prediction suggests that this variant may have deleterious impact on protein structure and function (internally defined REVEL score threshold >= 0.7, PMID: 27666373). To our knowledge, functional studies have not been reported for this variant. This variant has not been reported in individuals affected with KCNQ1-related disorders in the literature. This variant has not been identified in the general population by the Genome Aggregation Database (gnomAD). The available evidence is insufficient to determine the role of this variant in disease conclusively. Therefore, this variant is classified as a Variant of Uncertain Significance.

This study involves interpretation of variants in research participants for the purpose of population health screening. Participant phenotype was not available at the time of variant classification. Additional details can be found in publication PMID: 35346344, PMCID: PMC8962531

NM_000218.3(KCNQ1):c.780G>C (p.Gln260His)

Gene: KCNQ1 (potassium voltage-gated channel subfamily Q member 1; plus strand). Cytogenetic location: 11p15.5.
Variant type: single nucleotide variant.
Coding change: c.780G>C on transcript NM_000218.3 (MANE Select); coding-DNA position 780, G replaced by C.
Protein change: p.Gln260His; replaces glutamine 260 with histidine.
Molecular consequence: missense variant. On other transcripts: intron variant (1).
Genome position (GRCh38, 1-based): chr11:2,572,109, G>C. VCF-style: chr11-2572109-G-C. GRCh37 (hg19) VCF-style: chr11-2593339-G-C.
Other names: c.780G>C, p.Gln260His (NM_001406836.1); c.510G>C, p.Gln170His (NM_001406837.1); c.399G>C, p.Gln133His (NM_181798.2); c.478-11326G>C (NM_001406838.1); short protein forms Q133H, Q170H, Q260H.
Identifiers: ClinVar variation 3072137 (VCV003072137.1), dbSNP rs1159459447, ClinGen allele CA379131118.